The following is an entry in ClinVar:

NM_004385.5(VCAN):c.6698C>G (p.Thr2233Arg)

Genes: VCAN (versican; plus strand), VCAN-AS1 (VCAN antisense RNA 1; minus strand). Cytogenetic location: 5q14.3.
Variant type: single nucleotide variant.
Coding change: c.6698C>G on transcript NM_004385.5 (MANE Select); coding-DNA position 6698, C replaced by G.
Protein change: p.Thr2233Arg; replaces threonine 2233 with arginine.
Molecular consequence: missense variant. On other transcripts: intron variant (2).
Genome position (GRCh38, 1-based): chr5:83,539,701, C>G. VCF-style: chr5-83539701-C-G. GRCh37 (hg19) VCF-style: chr5-82835520-C-G.
Other names: c.6698C>G (NM_004385.4); c.3737C>G, p.Thr1246Arg (NM_001164097.2); c.4004-5836C>G (NM_001164098.2); c.1043-5836C>G (NM_001126336.3); short protein forms T2233R, T1246R.
Identifiers: ClinVar variation 1512132 (VCV001512132.7), dbSNP rs779996783, ClinGen allele CA3333511.

ClinVar aggregate classification (germline): Uncertain significance. Review status: criteria provided, multiple submitters, no conflicts (2 of 4 stars). 2 submissions from 2 submitters: Uncertain significance (2). Last evaluated 2025-09-02.

Conditions:
VCAN-related disorder. Also called: VCAN-related condition.

Allele frequency attached by ClinVar (database versions not stated): TOPMed 0.00001; ExAC 0.00002; gnomAD exomes 0.00002.
gnomAD v4.1: 5 of 1,613,668 alleles (0.00031%); highest among the groups gnomAD compares: Admixed American, 0.0017%; no homozygotes.

Submissions (2):

PreventionGenetics, part of Exact Sciences
Classification: Uncertain significance for VCAN-related condition. Last evaluated: 2025-09-02. Review status: criteria provided, single submitter. Criteria: ACMG Guidelines, 2015. Collection method: clinical testing. Allele origin: germline.
Comment: The VCAN c.6698C>G variant is predicted to result in the amino acid substitution p.Thr2233Arg. To our knowledge, this variant has not been reported in the literature. This variant is reported in 0.0058% of alleles in individuals of Latino descent in gnomAD. At this time, the clinical significance of this variant is uncertain due to the absence of conclusive functional and genetic evidence.

Labcorp Genetics (formerly Invitae), Labcorp
Classification: Uncertain significance. Last evaluated: 2024-02-10. Review status: criteria provided, single submitter. Criteria: Invitae Variant Classification Sherloc (09022015). Collection method: clinical testing. Allele origin: germline.
Comment: This sequence change replaces threonine, which is neutral and polar, with arginine, which is basic and polar, at codon 2233 of the VCAN protein (p.Thr2233Arg). This variant is present in population databases (rs779996783, gnomAD 0.006%). This variant has not been reported in the literature in individuals affected with VCAN-related conditions. ClinVar contains an entry for this variant (Variation ID: 1512132). Algorithms developed to predict the effect of missense changes on protein structure and function output the following: SIFT: "Not Available"; PolyPhen-2: "Benign"; Align-GVGD: "Not Available". The arginine amino acid residue is found in multiple mammalian species, which suggests that this missense change does not adversely affect protein function. In summary, the available evidence is currently insufficient to determine the role of this variant in disease. Therefore, it has been classified as a Variant of Uncertain Significance.